The following is an entry in ClinVar:

NM_022089.4(ATP13A2):c.3151_3152del (p.Phe1051fs)

Gene: ATP13A2 (ATPase cation transporting 13A2; minus strand). Cytogenetic location: 1p36.13.
Variant type: Deletion.
Coding change: c.3151_3152del on transcript NM_022089.4 (MANE Select); coding-DNA positions 3151 to 3152, 2 bases deleted (TT; older notation c.3151_3152delTT).
Protein change: p.Phe1051fs; shifts the reading frame from phenylalanine 1051.
Molecular consequence: frameshift variant.
Genome position (GRCh38, 1-based): chr1:16,986,888-16,986,889, AA deleted on the plus strand (TT on the coding strand, the reverse complement: ATP13A2 is on the minus strand). VCF-style (leftmost placement, unchanged base first): chr1-16986887-GAA-G. GRCh37 (hg19) VCF-style: chr1-17313382-GAA-G.
Other names: c.3136_3137del, p.Phe1046fs (NM_001141973.3); c.3019_3020del, p.Phe1007fs (NM_001141974.3); short protein forms F1007fs, F1046fs, F1051fs.
Identifiers: ClinVar variation 1031329 (VCV001031329.1), dbSNP rs2076751251, ClinGen allele CA1156050503.

ClinVar aggregate classification (germline): Likely pathogenic (1 of 4 stars; one submission).

Conditions:
Autosomal recessive spastic paraplegia type 78. Identifiers: Orphanet 513436, MedGen C5567893, MONDO:0014975, OMIM 617225.

Submission:

Baylor Genetics
Classification: Likely pathogenic for Autosomal recessive spastic paraplegia type 78. Last evaluated: 2018-03-26. Review status: criteria provided, single submitter. Criteria: ACMG Guidelines, 2015. Collection method: clinical testing. Allele origin: unknown. Affected: yes.
Comment: This variant was determined to be likely pathogenic according to ACMG Guidelines, 2015 [PMID:25741868].